The following is an entry in ClinVar:

NM_000051.4(ATM):c.4909G>A (p.Asp1637Asn)

Gene: ATM (ATM serine/threonine kinase; plus strand). Cytogenetic location: 11q22.3.
Variant type: single nucleotide variant.
Coding change: c.4909G>A on transcript NM_000051.4 (MANE Select); coding-DNA position 4909, G replaced by A.
Protein change: p.Asp1637Asn; replaces aspartic acid 1637 with asparagine.
Molecular consequence: missense variant.
Genome position (GRCh38, 1-based): chr11:108,295,059, G>A. VCF-style: chr11-108295059-G-A. GRCh37 (hg19) VCF-style: chr11-108165786-G-A.
Other names: c.4909G>A, p.Asp1637Asn (NM_001351834.2); short protein forms D1637N.
Identifiers: ClinVar variation 1319594 (VCV001319594.6), dbSNP rs753870656, ClinGen allele CA6265570.
Genomic context (GRCh38, chr11:108,295,059, plus strand): 5'-CTTCGAAGACAACTGGAACTACATAAAGATCAGATGGTGGACATTATGAGAGCTTCTCAG[G>A]GTGCTAATTTTAAATGACATGGGCTATTTCTACCTGTTTCTTTTTGAAAGAATATTTTGC-3'
Protein context (NP_000042.3, residues 1627-1647): QMVDIMRASQ[Asp1637Asn]NPQDGIMVKL

ClinVar aggregate classification (germline): Uncertain significance. Review status: criteria provided, multiple submitters, no conflicts (2 of 4 stars). 2 submissions from 2 submitters: Uncertain significance (2). Last evaluated 2021-11-03.

Conditions:
Hereditary cancer-predisposing syndrome. Also called: Hereditary neoplastic syndrome; Neoplastic Syndromes, Hereditary; Tumor predisposition; Hereditary Cancer Syndrome. Identifiers: Orphanet 140162, MedGen C0027672, MeSH D009386, MONDO:0015356.

Allele frequency attached by ClinVar (database versions not stated): ExAC 0.00001.
gnomAD v4.1: 1 of 1,613,694 alleles (0.000062%); highest among the groups gnomAD compares: Non-Finnish European, 0.000085%; no homozygotes.

Submissions (2):

Institute for Clinical Genetics, University Hospital TU Dresden, University Hospital TU Dresden
Classification: Uncertain significance. Last evaluated: 2021-11-03. Review status: criteria provided, single submitter. Criteria: ACMG Guidelines, 2015. Collection method: clinical testing. Allele origin: germline.

Color Diagnostics, LLC DBA Color Health
Classification: Uncertain significance for Hereditary cancer-predisposing syndrome. Last evaluated: 2021-06-01. Review status: criteria provided, single submitter. Criteria: ACMG Guidelines, 2015. Collection method: clinical testing. Allele origin: germline.
Comment: This variant causes a G to A nucleotide substitution at the last nucleotide of exon 32 of the ATM gene and replaces aspartic acid with asparagine at codon 1637 of the ATM protein. Computational prediction suggests that this variant may not impact protein structure and function (internally defined REVEL score threshold <= 0.5, PMID: 27666373). To our knowledge, functional studies have not been reported for this variant. This variant has not been reported in individuals affected with hereditary cancer in the literature. This variant has been identified in 1/251334 chromosomes in the general population by the Genome Aggregation Database (gnomAD). The available evidence is insufficient to determine the role of this variant in disease conclusively. Therefore, this variant is classified as a Variant of Uncertain Significance.